The following is an entry in ClinVar:

ClinVar aggregate classification (germline): Likely benign. Review status: criteria provided, multiple submitters, no conflicts (2 of 4 stars). 4 submissions from 4 submitters: Likely benign (3). 1 of the submissions does not count toward it. Last evaluated 2026-08-01.

Conditions:
SEMA4D-related disorder. Also called: SEMA4D-related condition.

Allele frequency attached by ClinVar (database versions not stated): 1000 Genomes Project 30x 0.00078; 1000 Genomes Project 0.00080; TOPMed 0.00146; gnomAD 0.00165; ESP Exome Variant Server 0.00177.
gnomAD v4.1: 3,777 of 1,614,222 alleles (0.23%); highest among the groups gnomAD compares: Middle Eastern, 0.53%; 7 homozygotes.

Submissions (4):

CeGaT Center for Human Genetics Tuebingen
Classification: Likely benign. Last evaluated: 2026-08-01. Review status: criteria provided, single submitter. Criteria: CeGaT Center For Human Genetics Tuebingen Variant Classification Criteria Version 2. Collection method: clinical testing. Allele origin: germline. Affected: yes. Observed: 3 variant alleles.
Comment: SEMA4D: BP4, BP7

Labcorp Genetics (formerly Invitae), Labcorp
Classification: Likely benign. Last evaluated: 2019-12-31. Review status: criteria provided, single submitter. Criteria: Invitae Variant Classification Sherloc (09022015). Collection method: clinical testing. Allele origin: germline.

Breakthrough Genomics
Classification: Likely benign. Review status: criteria provided, single submitter. Criteria: ACMG Guidelines, 2015. Collection method: not provided. Allele origin: germline. Inheritance: Unknown mechanism. Affected: yes.

PreventionGenetics, part of Exact Sciences
Classification: Likely benign for SEMA4D-related condition. Last evaluated: 2019-06-13. Review status: no assertion criteria provided. Collection method: clinical testing. Allele origin: germline. Not counted in ClinVar's aggregate classification.
Comment: This variant is classified as likely benign based on ACMG/AMP sequence variant interpretation guidelines (Richards et al. 2015 PMID: 25741868, with internal and published modifications).

NM_001371194.2(SEMA4D):c.2376G>A (p.Thr792=)

Gene: SEMA4D (semaphorin 4D; minus strand). Cytogenetic location: 9q22.2.
Variant type: single nucleotide variant.
Coding change: c.2376G>A on transcript NM_001371194.2 (MANE Select); coding-DNA position 2376, G replaced by A.
Protein change: p.Thr792=; no amino-acid change (threonine 792 retained).
Molecular consequence: synonymous variant. On other transcripts: intron variant (6).
Genome position (GRCh38, 1-based): chr9:89,378,917, C>T on the plus strand (G>A on the coding strand, the complement: SEMA4D is on the minus strand). VCF-style: chr9-89378917-C-T. GRCh37 (hg19) VCF-style: chr9-91993832-C-T.
Other names: c.2376G>A, p.Thr792= (NM_001371195.1, NM_001371196.1, NM_001371197.1 and 1 more transcripts); c.1664-1866G>A (NM_001371198.1, NM_001371201.1, NM_001371202.1 and 3 more transcripts).
Identifiers: ClinVar variation 710800 (VCV000710800.26), dbSNP rs113511187, ClinGen allele CA5118103.